The following is an entry in ClinVar:

ClinVar aggregate classification (germline): Conflicting classifications of pathogenicity. Review status: criteria provided, conflicting classifications (1 of 4 stars). 6 submissions from 6 submitters: Uncertain significance (5); Likely benign (1). Last evaluated 2025-10-15.

Conditions:
TTN-related disorder. Also called: TTN-related condition; TTN-related disease; TTN-related disorders.
Autosomal recessive limb-girdle muscular dystrophy type 2J (LGMDR10). Also called: Limb-girdle muscular dystrophy, type 2J; MUSCULAR DYSTROPHY, LIMB-GIRDLE, AUTOSOMAL RECESSIVE 10. Identifiers: Orphanet 140922, MedGen C1837342, MONDO:0012127, OMIM 608807.
Dilated cardiomyopathy 1G (CMD1G). Identifiers: Orphanet 154, MedGen C1858763, MONDO:0011400, OMIM 604145.

Allele frequency attached by ClinVar (database versions not stated): gnomAD 0.00004; gnomAD exomes 0.00004 and 0.00006; ExAC 0.00006; TOPMed 0.00008.
gnomAD v4.1: 63 of 1,613,254 alleles (0.0039%); highest among the groups gnomAD compares: Non-Finnish European, 0.0053%; no homozygotes.

Submissions (6):

PreventionGenetics, part of Exact Sciences
Classification: Uncertain significance for TTN-related condition. Last evaluated: 2025-10-15. Review status: criteria provided, single submitter. Criteria: ACMG Guidelines, 2015. Collection method: clinical testing. Allele origin: germline.
Comment: The TTN c.21785C>G variant is predicted to result in the amino acid substitution p.Thr7262Ser. This variant has been reported in an individual with sick sinus syndrome (reported as p.Thr6018Ser in Zaragoza et al. 2016. PubMed ID: 27182706). This variant is reported in 0.013% of alleles in individuals of European (Non-Finnish) descent in gnomAD and has conflicting interpretations regarding its pathogenicity in ClinVar, ranging from likely benign to uncertain (Variation ID: 448774). At this time, the clinical significance of this variant is uncertain due to the absence of conclusive functional and genetic evidence.

Mayo Clinic Laboratories, Mayo Clinic
Classification: Uncertain significance. Last evaluated: 2025-06-09. Review status: criteria provided, single submitter. Criteria: ACMG Guidelines, 2015. Collection method: clinical testing. Allele origin: germline. Observed: 1 variant allele.
Comment: BP4_moderate

Labcorp Genetics (formerly Invitae), Labcorp
Classification: Uncertain significance for Dilated cardiomyopathy 1G; Autosomal recessive limb-girdle muscular dystrophy type 2J. Last evaluated: 2022-07-19. Review status: criteria provided, single submitter. Criteria: Invitae Variant Classification Sherloc (09022015). Collection method: clinical testing. Allele origin: germline.
Comment: This sequence change replaces threonine, which is neutral and polar, with serine, which is neutral and polar, at codon 7262 of the TTN protein (p.Thr7262Ser). This variant is present in population databases (rs200954184, gnomAD 0.01%). This missense change has been observed in individual(s) with sick sinus syndrome (PMID: 27182706). ClinVar contains an entry for this variant (Variation ID: 448774). Experimental studies and prediction algorithms are not available or were not evaluated, and the functional significance of this variant is currently unknown. Algorithms developed to predict the effect of sequence changes on RNA splicing suggest that this variant may create or strengthen a splice site. This variant is located in the I band of TTN (PMID: 25589632). Variants in this region may be clinically relevant, but have not been definitively shown to cause cardiomyopathy or neuromuscular disease (PMID: 27493940, 32778822). In summary, the available evidence is currently insufficient to determine the role of this variant in disease. Therefore, it has been classified as a Variant of Uncertain Significance.

Revvity Omics, Revvity
Classification: Uncertain significance. Last evaluated: 2019-06-27. Review status: criteria provided, single submitter. Criteria: ACMG Guidelines, 2015. Collection method: clinical testing. Allele origin: germline.

GeneDx
Classification: Likely benign. Last evaluated: 2019-01-10. Review status: criteria provided, single submitter. Criteria: GeneDx Variant Classification Process June 2021. Collection method: clinical testing. Allele origin: germline. Affected: yes.
Comment: This variant is associated with the following publications: (PMID: 27182706)

Athena Diagnostics
Classification: Uncertain significance. Last evaluated: 2018-06-27. Review status: criteria provided, single submitter. Criteria: Athena Diagnostics Criteria. Collection method: clinical testing. Allele origin: germline.

Literature cited by the submitters: PubMed 27182706 (cited by Mayo Clinic Laboratories, Mayo Clinic and Labcorp Genetics (formerly Invitae), Labcorp); PubMed 25589632 (cited by Labcorp Genetics (formerly Invitae), Labcorp); PubMed 27493940 (cited by Labcorp Genetics (formerly Invitae), Labcorp); PubMed 32778822 (cited by Labcorp Genetics (formerly Invitae), Labcorp).

NM_001267550.2(TTN):c.21785C>G (p.Thr7262Ser)

Gene: TTN (titin; minus strand). Cytogenetic location: 2q31.2.
Variant type: single nucleotide variant.
Coding change: c.21785C>G on transcript NM_001267550.2 (MANE Select); coding-DNA position 21785, C replaced by G.
Protein change: p.Thr7262Ser; replaces threonine 7262 with serine.
Molecular consequence: missense variant. On other transcripts: intron variant (3).
Genome position (GRCh38, 1-based): chr2:178,723,222, G>C on the plus strand (C>G on the coding strand, the complement: TTN is on the minus strand). VCF-style: chr2-178723222-G-C. GRCh37 (hg19) VCF-style: chr2-179587949-G-C.
Other names: p.Thr6018Ser; c.21785C>G (LRG_391t1); c.20834C>G, p.Thr6945Ser (NM_001256850.1); c.18053C>G, p.Thr6018Ser (NM_133378.4); c.13282+14860C>G (NM_003319.4); c.13858+14860C>G (NM_133437.4); c.13657+14860C>G (NM_133432.3); short protein forms T7262S, T6018S, T6945S.
Identifiers: ClinVar variation 448774 (VCV000448774.14), dbSNP rs200954184, ClinGen allele CA2000953.